The following is an entry in ClinVar:

ClinVar aggregate classification (germline): Uncertain significance. Review status: criteria provided, multiple submitters, no conflicts (2 of 4 stars). 2 submissions from 2 submitters: Uncertain significance (2). Last evaluated 2024-02-05.

Conditions:
Lynch syndrome. Identifiers: Orphanet 144, MedGen C4552100, MONDO:0005835. Disease mechanism: loss of function.
Hereditary cancer-predisposing syndrome. Also called: Neoplastic Syndromes, Hereditary; Tumor predisposition; Hereditary neoplastic syndrome; Hereditary Cancer Syndrome. Identifiers: Orphanet 140162, MedGen C0027672, MeSH D009386, MONDO:0015356.

Submissions (2):

All of Us Research Program, National Institutes of Health
Classification: Uncertain significance for Lynch syndrome. Last evaluated: 2024-02-05. Review status: criteria provided, single submitter. Criteria: ACMG Guidelines, 2015. Collection method: clinical testing. Allele origin: germline. Inheritance: Autosomal dominant inheritance. Observed: 1 variant allele, 1 heterozygote.
Comment: This missense variant replaces leucine with histidine at codon 1167 of the MSH6 protein. Computational prediction suggests that this variant may have deleterious impact on protein structure and function (internally defined REVEL score threshold >= 0.7, PMID: 27666373). To our knowledge, functional studies have not been reported for this variant. This variant has not been reported in individuals affected with MSH6-related disorders in the literature. This variant has not been identified in the general population by the Genome Aggregation Database (gnomAD). The available evidence is insufficient to determine the role of this variant in disease conclusively. Therefore, this variant is classified as a Variant of Uncertain Significance.

This study involves interpretation of variants in research participants for the purpose of population health screening. Participant phenotype was not available at the time of variant classification. Additional details can be found in publication PMID: 35346344, PMCID: PMC8962531

Ambry Genetics
Classification: Uncertain significance for Hereditary cancer-predisposing syndrome. Last evaluated: 2019-11-27. Review status: criteria provided, single submitter. Criteria: Ambry Variant Classification Scheme 2023. Collection method: clinical testing. Allele origin: germline.
Comment: The p.L1167H variant (also known as c.3500T>A), located in coding exon 6 of the MSH6 gene, results from a T to A substitution at nucleotide position 3500. The leucine at codon 1167 is replaced by histidine, an amino acid with similar properties. This amino acid position is well conserved in available vertebrate species. In addition, this alteration is predicted to be deleterious by in silico analysis. Since supporting evidence is limited at this time, the clinical significance of this alteration remains unclear.

NM_000179.3(MSH6):c.3500T>A (p.Leu1167His)

Gene: MSH6 (mutS homolog 6; plus strand). Cytogenetic location: 2p16.3.
Variant type: single nucleotide variant.
Coding change: c.3500T>A on transcript NM_000179.3 (MANE Select); coding-DNA position 3500, T replaced by A.
Protein change: p.Leu1167His; replaces leucine 1167 with histidine.
Molecular consequence: missense variant.
Genome position (GRCh38, 1-based): chr2:47,804,971, T>A. VCF-style: chr2-47804971-T-A. GRCh37 (hg19) VCF-style: chr2-48032110-T-A.
Other names: c.3110T>A, p.Leu1037His (NM_001281492.2); c.2594T>A, p.Leu865His (NM_001281493.2, NM_001281494.2); short protein forms L1037H, L865H, L1167H.
Identifiers: ClinVar variation 823857 (VCV000823857.5), dbSNP rs1572738696, ClinGen allele CA346760169.